The following is an entry in ClinVar:

NM_000687.4(AHCY):c.973-7C>T

Gene: AHCY (adenosylhomocysteinase; minus strand). Cytogenetic location: 20q11.22.
Variant type: single nucleotide variant.
Coding change: c.973-7C>T on transcript NM_000687.4 (MANE Select); 7 bases into the intron before coding-DNA position 973, C replaced by T.
Molecular consequence: intron variant.
Genome position (GRCh38, 1-based): chr20:34,285,641, G>A on the plus strand (C>T on the coding strand, the complement: AHCY is on the minus strand). VCF-style: chr20-34285641-G-A. GRCh37 (hg19) VCF-style: chr20-32873447-G-A.
Other names: c.889-7C>T (NM_001161766.2, NM_001322085.2, NM_001322084.2); c.973-7C>T (NM_001362750.2); c.979-7C>T (NM_001322086.2).
Identifiers: ClinVar variation 338270 (VCV000338270.17), dbSNP rs17091705, ClinGen allele CA9820813.
Genomic context (GRCh38, chr20:34,285,641, plus strand): 5'-ACCCTCGGCCAGCAGGATGATGCGGCGCCCATTCTTCAACCGATACCGGTCCACCTACAC[G>A]CAGGCAGGGCAACAGTGAAGGCAGGCAGGGCCCCGCTCCCACAGCCCACCCTCTGATCTG-3'

ClinVar aggregate classification (germline): Benign. Review status: criteria provided, multiple submitters, no conflicts (2 of 4 stars). 4 submissions from 4 submitters: Benign (4). Last evaluated 2026-02-04.

Conditions:
Hypermethioninemia with deficiency of S-adenosylhomocysteine hydrolase. Identifiers: Orphanet 88618, MedGen C3151058, MONDO:0013404, OMIM 613752.

Allele frequency attached by ClinVar (database versions not stated): gnomAD exomes 0.01021 and 0.02726; ExAC 0.03386; gnomAD 0.10692 and 0.11442; ESP Exome Variant Server 0.11795; TOPMed 0.12088; 1000 Genomes Project 0.12680; 1000 Genomes Project 30x 0.13585.
gnomAD v4.1: 31,864 of 1,612,020 alleles (2%); highest among the groups gnomAD compares: African/African-American, 37%; 5,500 homozygotes.

Submissions (4):

Labcorp Genetics (formerly Invitae), Labcorp
Classification: Benign for Hypermethioninemia with deficiency of S-adenosylhomocysteine hydrolase. Last evaluated: 2026-02-04. Review status: criteria provided, single submitter. Criteria: Invitae Variant Classification Sherloc (09022015). Collection method: clinical testing. Allele origin: germline.

GeneDx
Classification: Benign. Last evaluated: 2020-09-25. Review status: criteria provided, single submitter. Criteria: GeneDx Variant Classification Process June 2021. Collection method: clinical testing. Allele origin: germline. Affected: yes.

Illumina Laboratory Services, Illumina
Classification: Benign for Hypermethioninemia with deficiency of S-adenosylhomocysteine hydrolase. Last evaluated: 2018-01-12. Review status: criteria provided, single submitter. Criteria: ICSL Variant Classification Criteria 13 December 2019. Collection method: clinical testing. Allele origin: germline.
Comment: This variant was observed in the ICSL laboratory as part of a predisposition screen in an ostensibly healthy population. It had not been previously curated by ICSL or reported in the Human Gene Mutation Database (HGMD: prior to June 1st, 2018), and was therefore a candidate for classification through an automated scoring system. Utilizing variant allele frequency, disease prevalence and penetrance estimates, and inheritance mode, an automated score was calculated to assess if this variant is too frequent to cause the disease. Based on the score and internal cut-off values, a variant classified as benign is not then subjected to further curation. The score for this variant resulted in a classification of benign for this disease.

Breakthrough Genomics
Classification: Benign. Review status: criteria provided, single submitter. Criteria: ACMG Guidelines, 2015. Collection method: not provided. Allele origin: germline. Inheritance: Autosomal recessive inheritance. Affected: yes.